The following is an entry in ClinVar:

ClinVar aggregate classification (germline): Uncertain significance (0 of 4 stars; one submission).

Conditions:
IDS-related disorder. Also called: IDS-related condition.

Submission:

PreventionGenetics, part of Exact Sciences
Classification: Uncertain significance for IDS-related condition. Last evaluated: 2024-07-18. Review status: no assertion criteria provided. Collection method: clinical testing. Allele origin: germline.
Comment: The IDS c.621G>T variant is predicted to result in the amino acid substitution p.Gln207His. To our knowledge, this variant has not been reported in the literature or in a large population database, indicating this variant is rare. At this time, the clinical significance of this variant is uncertain due to the absence of conclusive functional and genetic evidence.

NM_000202.8(IDS):c.621G>T (p.Gln207His)

Genes: IDS (iduronate 2-sulfatase; minus strand), LOC106050102 (IDS recombination region; plus strand). Cytogenetic location: Xq28.
Variant type: single nucleotide variant.
Coding change: c.621G>T on transcript NM_000202.8 (MANE Select); coding-DNA position 621, G replaced by T.
Protein change: p.Gln207His; replaces glutamine 207 with histidine.
Molecular consequence: missense variant. On other transcripts: non-coding transcript variant (1).
Genome position (GRCh38, 1-based): chrX:149,498,194, C>A on the plus strand (G>T on the coding strand, the complement: IDS is on the minus strand). VCF-style: chrX-149498194-C-A. GRCh37 (hg19) VCF-style: chrX-148579725-C-A.
Other names: c.351G>T, p.Gln117His (NM_001166550.4); c.621G>T, p.Gln207His (NM_006123.5); short protein forms Q117H, Q207H.
Identifiers: ClinVar variation 3349970 (VCV003349970.1).